The following is an entry in ClinVar:

ClinVar aggregate classification (germline): Uncertain significance (1 of 4 stars; one submission).

Submission:

Labcorp Genetics (formerly Invitae), Labcorp
Classification: Uncertain significance. Last evaluated: 2025-10-18. Review status: criteria provided, single submitter. Criteria: Invitae Variant Classification Sherloc (09022015). Collection method: clinical testing. Allele origin: germline.
Comment: This sequence change replaces valine, which is neutral and non-polar, with glycine, which is neutral and non-polar, at codon 950 of the ITGAM protein (p.Val950Gly). This variant is not present in population databases (gnomAD no frequency). This variant has not been reported in the literature in individuals affected with ITGAM-related conditions. An algorithm developed to predict the effect of missense changes on protein structure and function (PolyPhen-2) suggests that this variant is likely to be tolerated. In summary, the available evidence is currently insufficient to determine the role of this variant in disease. Therefore, it has been classified as a Variant of Uncertain Significance.

NM_000632.4(ITGAM):c.2849T>G (p.Val950Gly)

Gene: ITGAM (integrin subunit alpha M; plus strand). Cytogenetic location: 16p11.2.
Variant type: single nucleotide variant.
Coding change: c.2849T>G on transcript NM_000632.4 (MANE Select); coding-DNA position 2849, T replaced by G.
Protein change: p.Val950Gly; replaces valine 950 with glycine.
Molecular consequence: missense variant.
Genome position (GRCh38, 1-based): chr16:31,329,284, T>G. VCF-style: chr16-31329284-T-G. GRCh37 (hg19) VCF-style: chr16-31340605-T-G.
Other names: c.2852T>G, p.Val951Gly (NM_001145808.2); short protein forms V950G, V951G.
Identifiers: ClinVar variation 4754397 (VCV004754397.1).